The following is an entry in ClinVar:

ClinVar aggregate classification (germline): Pathogenic. Review status: criteria provided, multiple submitters, no conflicts (2 of 4 stars). 2 submissions from 2 submitters: Pathogenic (2). Last evaluated 2023-05-01.

Conditions:
Pulmonary hypertension, neonatal, susceptibility to (PHN). Identifiers: MedGen C3714958, MONDO:0014151, OMIM 615371.
Congenital hyperammonemia, type I. Also called: Carbamoyl phosphate synthetase I deficiency disease; Carbamoyl phosphate synthetase 1 deficiency; Hyperammonemia due to carbamoyl phosphate synthetase 1 deficiency; CPS 1 deficiency; Carbamyl phosphate synthetase (CPS) deficiency; CPS I DEFICIENCY. Identifiers: Orphanet 147, MedGen C4082171, MONDO:0009376, OMIM 237300.

Submissions (2):

Baylor Genetics
Classification: Pathogenic for Pulmonary hypertension, neonatal, susceptibility to. Last evaluated: 2023-05-01. Review status: criteria provided, single submitter. Criteria: ACMG Guidelines, 2015. Collection method: clinical testing. Allele origin: unknown.

Labcorp Genetics (formerly Invitae), Labcorp
Classification: Pathogenic for Congenital hyperammonemia, type I. Last evaluated: 2023-02-16. Review status: criteria provided, single submitter. Criteria: Invitae Variant Classification Sherloc (09022015). Collection method: clinical testing. Allele origin: germline.
Comment: This sequence change creates a premature translational stop signal (p.Gln478*) in the CPS1 gene. It is expected to result in an absent or disrupted protein product. Loss-of-function variants in CPS1 are known to be pathogenic (PMID: 21120950). This variant is not present in population databases (gnomAD no frequency). This premature translational stop signal has been observed in individual(s) with carbamoyl phosphate synthetase I deficiency (PMID: 16737834). This variant is also known as c.1555C>T. ClinVar contains an entry for this variant (Variation ID: 1069202). Algorithms developed to predict the effect of sequence changes on RNA splicing suggest that this variant may create or strengthen a splice site. For these reasons, this variant has been classified as Pathogenic.

Literature cited by the submitters: PubMed 21120950 (cited by Labcorp Genetics (formerly Invitae), Labcorp); PubMed 16737834 (cited by Labcorp Genetics (formerly Invitae), Labcorp).

NM_001875.5(CPS1):c.1432C>T (p.Gln478Ter)

Gene: CPS1 (carbamoyl-phosphate synthase 1; plus strand). Cytogenetic location: 2q34.
Variant type: single nucleotide variant.
Coding change: c.1432C>T on transcript NM_001875.5 (MANE Select); coding-DNA position 1432, C replaced by T.
Protein change: p.Gln478Ter; replaces glutamine 478 with a stop codon.
Molecular consequence: nonsense. On other transcripts: non-coding transcript variant (2).
Genome position (GRCh38, 1-based): chr2:210,599,444, C>T. VCF-style: chr2-210599444-C-T. GRCh37 (hg19) VCF-style: chr2-211464168-C-T.
Other names: c.1432C>T, p.Gln478Ter (NM_001122633.3, NM_001369257.1); c.1465C>T, p.Gln489Ter (NM_001369256.1); short protein forms Q478*, Q489*.
Identifiers: ClinVar variation 1069202 (VCV001069202.8), dbSNP rs2106126181, ClinGen allele CA350435421.